The following is an entry in ClinVar:

NM_001202.6(BMP4):c.817G>C (p.Val273Leu)

Gene: BMP4 (bone morphogenetic protein 4; minus strand). Cytogenetic location: 14q22.2.
Variant type: single nucleotide variant.
Coding change: c.817G>C on transcript NM_001202.6 (MANE Select); coding-DNA position 817, G replaced by C.
Protein change: p.Val273Leu; replaces valine 273 with leucine.
Molecular consequence: missense variant.
Genome position (GRCh38, 1-based): chr14:53,950,442, C>G on the plus strand (G>C on the coding strand, the complement: BMP4 is on the minus strand). VCF-style: chr14-53950442-C-G. GRCh37 (hg19) VCF-style: chr14-54417160-C-G.
Other names: c.958G>C, p.Val320Leu (NM_001347912.1); c.628G>C, p.Val210Leu (NM_001347913.2, NM_001347915.2, NM_001347917.1); c.817G>C, p.Val273Leu (NM_001347914.2, NM_001347916.1, NM_130850.5 and 1 more transcripts); short protein forms V273L, V210L, V320L.
Identifiers: ClinVar variation 2928199 (VCV002928199.3), dbSNP rs775995114, ClinGen allele CA7191672.
Genomic context (GRCh38, chr14:53,950,442, plus strand): 5'-TACGCTTGGCCCTCCGGCGTCGGGTCAAGGCATGGCCCCGGCCATCATGGCCAAAGGTGA[C>G]CAGGAGGGGCCGGAGCTGGGCCCAATTCCCACTCCCTTGAGGTAACGATCGGCTAATCCT-3'
Protein context (NP_001193.2, residues 263-283): GNWAQLRPLL[Val273Leu]TFGHDGRGHA

ClinVar aggregate classification (germline): Uncertain significance (1 of 4 stars; one submission).

Conditions:
Microphthalmia with brain and digit anomalies (MCOPS6). Also called: MICROPHTHALMIA AND PITUITARY ANOMALIES; Microphthalmia, syndromic 6. Identifiers: Orphanet 139471, MedGen C1864689, MONDO:0011936, OMIM 607932.
Orofacial cleft 11 (OFC11). Also called: Orofacial cleft 11; ofc11; CLEFT LIP WITH OR WITHOUT CLEFT PALATE, NONSYNDROMIC, 11. Identifiers: MedGen C2677434, MONDO:0010906, OMIM 600625.

Allele frequency attached by ClinVar (database versions not stated): gnomAD 0.00001.

Submission:

Labcorp Genetics (formerly Invitae), Labcorp
Classification: Uncertain significance for Microphthalmia with brain and digit anomalies; Orofacial cleft 11. Last evaluated: 2023-10-25. Review status: criteria provided, single submitter. Criteria: Invitae Variant Classification Sherloc (09022015). Collection method: clinical testing. Allele origin: germline.
Comment: This sequence change replaces valine, which is neutral and non-polar, with leucine, which is neutral and non-polar, at codon 273 of the BMP4 protein (p.Val273Leu). This variant is present in population databases (rs775995114, gnomAD 0.02%). This variant has not been reported in the literature in individuals affected with BMP4-related conditions. Advanced modeling of protein sequence and biophysical properties (such as structural, functional, and spatial information, amino acid conservation, physicochemical variation, residue mobility, and thermodynamic stability) performed at Invitae indicates that this missense variant is not expected to disrupt BMP4 protein function with a negative predictive value of 80%. In summary, the available evidence is currently insufficient to determine the role of this variant in disease. Therefore, it has been classified as a Variant of Uncertain Significance.